The following is an entry in ClinVar:

NM_020433.5(JPH2):c.350G>A (p.Gly117Asp)

Gene: JPH2 (junctophilin 2; minus strand). Cytogenetic location: 20q13.12.
Variant type: single nucleotide variant.
Coding change: c.350G>A on transcript NM_020433.5 (MANE Select); coding-DNA position 350, G replaced by A.
Protein change: p.Gly117Asp; replaces glycine 117 with aspartic acid.
Molecular consequence: missense variant.
Genome position (GRCh38, 1-based): chr20:44,186,356, C>T on the plus strand (G>A on the coding strand, the complement: JPH2 is on the minus strand). VCF-style: chr20-44186356-C-T. GRCh37 (hg19) VCF-style: chr20-42814996-C-T.
Other names: c.350G>A, p.Gly117Asp (NM_175913.4); c.350G>A (NM_020433.4); short protein forms G117D.
Identifiers: ClinVar variation 1284863 (VCV001284863.5), dbSNP rs1289294595, ClinGen allele CA409094980.
Genomic context (GRCh38, chr20:44,186,356, plus strand): 5'-CCCACCTCTGCGGGCCCCCAGCTGGCCTCACCTCCATCAGCATAGGTCTCGGTGCCATAG[C>T]CGTCTTGCAGGCCATTGTTCCAGGTGCCCTCATACTTGGCACCGCTGCTTGAGCTCTGCC-3'
Protein context (NP_065166.2, residues 107-127): EGTWNNGLQD[Gly117Asp]YGTETYADGG

ClinVar aggregate classification (germline): Uncertain significance. Review status: criteria provided, single submitter (1 of 4 stars). 3 submissions from 3 submitters: Uncertain significance (1). 2 of the submissions do not count toward it. Last evaluated 2023-02-05.

Conditions:
Cardiovascular phenotype. Identifiers: MedGen CN230736.

Allele frequency attached by ClinVar (database versions not stated): gnomAD exomes 0.00001; TOPMed 0.00001.
gnomAD v4.1: 8 of 1,612,474 alleles (0.0005%); highest among the groups gnomAD compares: Non-Finnish European, 0.00068%; no homozygotes.

Submissions (3):

Ambry Genetics
Classification: Uncertain significance for Cardiovascular phenotype. Last evaluated: 2023-02-05. Review status: criteria provided, single submitter. Criteria: Ambry Variant Classification Scheme 2023. Collection method: clinical testing. Allele origin: germline.
Comment: The p.G117D variant (also known as c.350G>A), located in coding exon 1 of the JPH2 gene, results from a G to A substitution at nucleotide position 350. The glycine at codon 117 is replaced by aspartic acid, an amino acid with similar properties. This amino acid position is conserved. In addition, this alteration is predicted to be deleterious by in silico analysis. Since supporting evidence is limited at this time, the clinical significance of this alteration remains unclear.

Clinical Genetics, Academic Medical Center
Classification: Uncertain significance. Review status: no assertion criteria provided. Collection method: clinical testing. Allele origin: germline. Affected: yes. Study: VKGL Data-share Consensus. Not counted in ClinVar's aggregate classification.

Diagnostic Laboratory, Department of Genetics, University Medical Center Groningen
Classification: Uncertain significance. Review status: no assertion criteria provided. Collection method: clinical testing. Allele origin: germline. Affected: yes. Study: VKGL Data-share Consensus. Not counted in ClinVar's aggregate classification.